The following is an entry in ClinVar:

NM_001042492.3(NF1):c.3679C>G (p.Leu1227Val)

Gene: NF1 (neurofibromin 1; plus strand). Cytogenetic location: 17q11.2.
Variant type: single nucleotide variant.
Coding change: c.3679C>G on transcript NM_001042492.3 (MANE Select); coding-DNA position 3679, C replaced by G.
Protein change: p.Leu1227Val; replaces leucine 1227 with valine.
Molecular consequence: missense variant.
Genome position (GRCh38, 1-based): chr17:31,233,184, C>G. VCF-style: chr17-31233184-C-G. GRCh37 (hg19) VCF-style: chr17-29560202-C-G.
Other names: c.3679C>G, p.Leu1227Val (NM_000267.4); short protein forms L1227V.
Identifiers: ClinVar variation 633337 (VCV000633337.12), dbSNP rs876660431, ClinGen allele CA398990610.

ClinVar aggregate classification (germline): Uncertain significance. Review status: criteria provided, multiple submitters, no conflicts (2 of 4 stars). 4 submissions from 4 submitters: Uncertain significance (4). Last evaluated 2024-09-19.

Conditions:
Hereditary cancer-predisposing syndrome. Also called: Hereditary Cancer Syndrome; Neoplastic Syndromes, Hereditary; Tumor predisposition; Hereditary neoplastic syndrome. Identifiers: Orphanet 140162, MedGen C0027672, MeSH D009386, MONDO:0015356.
Cardiovascular phenotype. Identifiers: MedGen CN230736.
Neurofibromatosis, type 1 (NF1). Also called: NEUROFIBROMATOSIS, TYPE I, SOMATIC; VON RECKLINGHAUSEN DISEASE; Peripheral type neurofibromatosis; Neurofibromatosis, type I. Identifiers: Orphanet 636, MedGen C0027831, MONDO:0018975, OMIM 162200. Disease mechanism: loss of function.

Submissions (4):

Ambry Genetics
Classification: Uncertain significance for Cardiovascular phenotype; Hereditary cancer-predisposing syndrome. Last evaluated: 2024-09-19. Review status: criteria provided, single submitter. Criteria: Ambry Variant Classification Scheme 2023. Collection method: clinical testing. Allele origin: germline.
Comment: The p.L1227V variant (also known as c.3679C>G), located in coding exon 27 of the NF1 gene, results from a C to G substitution at nucleotide position 3679. The leucine at codon 1227 is replaced by valine, an amino acid with highly similar properties. This amino acid position is highly conserved in available vertebrate species. In addition, the in silico prediction for this alteration is inconclusive. Since supporting evidence is limited at this time, the clinical significance of this alteration remains unclear.

Genome-Nilou Lab
Classification: Uncertain significance for Neurofibromatosis, type 1. Last evaluated: 2022-03-15. Review status: criteria provided, single submitter. Criteria: ACMG Guidelines, 2015. Collection method: clinical testing. Allele origin: germline. Affected: no.

Labcorp Genetics (formerly Invitae), Labcorp
Classification: Uncertain significance for Neurofibromatosis, type 1. Last evaluated: 2021-12-19. Review status: criteria provided, single submitter. Criteria: Invitae Variant Classification Sherloc (09022015). Collection method: clinical testing. Allele origin: germline.
Comment: This sequence change replaces leucine, which is neutral and non-polar, with valine, which is neutral and non-polar, at codon 1227 of the NF1 protein (p.Leu1227Val). This variant is not present in population databases (gnomAD no frequency). This variant has not been reported in the literature in individuals affected with NF1-related conditions. ClinVar contains an entry for this variant (Variation ID: 633337). Algorithms developed to predict the effect of missense changes on protein structure and function are either unavailable or do not agree on the potential impact of this missense change (SIFT: "Tolerated"; PolyPhen-2: "Probably Damaging"; Align-GVGD: "Class C0"). In summary, the available evidence is currently insufficient to determine the role of this variant in disease. Therefore, it has been classified as a Variant of Uncertain Significance.

Women's Health and Genetics/Laboratory Corporation of America, LabCorp
Classification: Uncertain significance. Last evaluated: 2018-02-23. Review status: criteria provided, single submitter. Criteria: LabCorp Variant Classification Summary - May 2015. Collection method: clinical testing. Allele origin: germline.
Comment: Variant summary: NF1 c.3679C>G (p.Leu1227Val) results in a conservative amino acid change located in the Ras GTPase-activating protein of the encoded protein sequence. Four of five in-silico tools predict a damaging effect of the variant on protein function. The variant was absent in 246170 control chromosomes. The available data on variant occurrences in the general population are insufficient to allow any conclusion about variant significance. To our knowledge, no occurrence of c.3679C>G in individuals affected with Neurofibromatosis Type 1 and no experimental evidence demonstrating its impact on protein function have been reported. No clinical diagnostic laboratories have submitted clinical-significance assessments for this variant to ClinVar after 2014. Based on the evidence outlined above, the variant was classified as uncertain significance.